The following is an entry in ClinVar:

ClinVar aggregate classification (germline): Uncertain significance (1 of 4 stars; one submission).

Conditions:
Cardiovascular phenotype. Identifiers: MedGen CN230736.

gnomAD v4.1: 4 of 1,614,052 alleles (0.00025%); highest among the groups gnomAD compares: African/African-American, 0.0013%; no homozygotes.

Submission:

Ambry Genetics
Classification: Uncertain significance for Cardiovascular phenotype. Last evaluated: 2024-02-09. Review status: criteria provided, single submitter. Criteria: Ambry Variant Classification Scheme 2023. Collection method: clinical testing. Allele origin: germline.
Comment: The p.A277G variant (also known as c.830C>G), located in coding exon 7 of the EFEMP2 gene, results from a C to G substitution at nucleotide position 830. The alanine at codon 277 is replaced by glycine, an amino acid with similar properties. This amino acid position is conserved. In addition, this alteration is predicted to be tolerated by in silico analysis. Based on the available evidence, the clinical significance of this alteration remains unclear.

NM_016938.5(EFEMP2):c.830C>G (p.Ala277Gly)

Gene: EFEMP2 (EGF containing fibulin extracellular matrix protein 2; minus strand). Cytogenetic location: 11q13.1.
Variant type: single nucleotide variant.
Coding change: c.830C>G on transcript NM_016938.5 (MANE Select); coding-DNA position 830, C replaced by G.
Protein change: p.Ala277Gly; replaces alanine 277 with glycine.
Molecular consequence: missense variant. On other transcripts: non-coding transcript variant (1).
Genome position (GRCh38, 1-based): chr11:65,868,527, G>C on the plus strand (C>G on the coding strand, the complement: EFEMP2 is on the minus strand). VCF-style: chr11-65868527-G-C. GRCh37 (hg19) VCF-style: chr11-65635998-G-C.
Other names: short protein forms A277G.
Identifiers: ClinVar variation 3226938 (VCV003226938.1), dbSNP rs1321499476, ClinGen allele CA381356221.